The following is an entry in ClinVar:

ClinVar aggregate classification (germline): other (0 of 4 stars; one submission).

Conditions:
Familial colorectal cancer. Identifiers: MedGen CN280943, MONDO:0023113. Disease mechanism: loss of function.

Submission:

Systems Biology Platform Zhejiang California International NanoSystems Institute
Classification: other for Familial colorectal cancer. Review status: no assertion criteria provided. Collection method: not provided. Allele origin: unknown.
ClinVar note: Converted during submission from cancer to other.

NM_000038.6(APC):c.730-2071A>C

Gene: APC (APC regulator of WNT signaling pathway; plus strand). Cytogenetic location: 5q22.2.
Variant type: single nucleotide variant.
Coding change: c.730-2071A>C on transcript NM_000038.6 (MANE Select); 2071 bases into the intron before coding-DNA position 730, A replaced by C.
Molecular consequence: intron variant.
Genome position (GRCh38, 1-based): chr5:112,799,208, A>C. VCF-style: chr5-112799208-A-C. GRCh37 (hg19) VCF-style: chr5-112134905-A-C.
Other names: c.730-2071A>C (NM_001354895.2, NM_001127510.3, NM_001354896.2 and 1 more transcripts); c.760-2071A>C (NM_001354897.2, NM_001354902.2); c.676-2071A>C (NM_001127511.3); c.655-2071A>C (NM_001354898.2, NM_001354904.2); c.-306-2071A>C (NM_001354906.2); c.646-2071A>C (NM_001354899.2); c.553-2071A>C (NM_001354900.2, NM_001354901.2, NM_001354905.2).
Identifiers: ClinVar variation 82506 (VCV000082506.2), dbSNP rs77092769, ClinGen allele CA013425.